The following is an entry in ClinVar:

NM_206933.4(USH2A):c.15143C>T (p.Ala5048Val)

Gene: USH2A (usherin; minus strand). Cytogenetic location: 1q41.
Variant type: single nucleotide variant.
Coding change: c.15143C>T on transcript NM_206933.4 (MANE Select); coding-DNA position 15143, C replaced by T.
Protein change: p.Ala5048Val; replaces alanine 5048 with valine.
Molecular consequence: missense variant.
Genome position (GRCh38, 1-based): chr1:215,634,613, G>A on the plus strand (C>T on the coding strand, the complement: USH2A is on the minus strand). VCF-style: chr1-215634613-G-A. GRCh37 (hg19) VCF-style: chr1-215807955-G-A.
Other names: short protein forms A5048V.
Identifiers: ClinVar variation 812446 (VCV000812446.5), dbSNP rs748393788, ClinGen allele CA1392778.

ClinVar aggregate classification (germline): Uncertain significance. Review status: criteria provided, multiple submitters, no conflicts (2 of 4 stars). 3 submissions from 3 submitters: Uncertain significance (2). 1 of the submissions does not count toward it. Last evaluated 2025-09-02.

Conditions:
Retinitis pigmentosa (RP). Identifiers: Orphanet 791, MedGen C0035334, MeSH D012174, MONDO:0019200, OMIM 268000. Inheritance: Autosomal dominant, autosomal recessive and X linked inheritance.

Allele frequency attached by ClinVar (database versions not stated): ExAC 0.00001; gnomAD 0.00001; gnomAD exomes 0.00002; TOPMed 0.00002.
gnomAD v4.1: 53 of 1,614,042 alleles (0.0033%); highest among the groups gnomAD compares: East Asian, 0.0067%; no homozygotes.

Submissions (3):

Labcorp Genetics (formerly Invitae), Labcorp
Classification: Uncertain significance. Last evaluated: 2025-09-02. Review status: criteria provided, single submitter. Criteria: Invitae Variant Classification Sherloc (09022015). Collection method: clinical testing. Allele origin: germline.
Comment: This sequence change replaces alanine, which is neutral and non-polar, with valine, which is neutral and non-polar, at codon 5048 of the USH2A protein (p.Ala5048Val). The frequency data for this variant in the population databases is considered unreliable, as metrics indicate poor data quality at this position in the gnomAD database. This missense change has been observed in individual(s) with clinical features of retinitis pigmentosa (PMID: 31456290). ClinVar contains an entry for this variant (Variation ID: 812446). Invitae Evidence Modeling of protein sequence and biophysical properties (such as structural, functional, and spatial information, amino acid conservation, physicochemical variation, residue mobility, and thermodynamic stability) indicates that this missense variant is not expected to disrupt USH2A protein function with a negative predictive value of 95%. In summary, the available evidence is currently insufficient to determine the role of this variant in disease. Therefore, it has been classified as a Variant of Uncertain Significance.

Women's Health and Genetics/Laboratory Corporation of America, LabCorp
Classification: Uncertain significance. Last evaluated: 2023-11-01. Review status: criteria provided, single submitter. Criteria: LabCorp Variant Classification Summary - May 2015. Collection method: clinical testing. Allele origin: germline.
Comment: Variant summary: USH2A c.15143C>T (p.Ala5048Val) results in a non-conservative amino acid change in the encoded protein sequence. Three of five in-silico tools predict a benign effect of the variant on protein function. The variant allele was found at a frequency of 2e-05 in 251452 control chromosomes. The available data on variant occurrences in the general population are insufficient to allow any conclusion about variant significance. c.15143C>T has been reported in the literature in individuals affected with Retinitis Pigmentosa (Sharon_2015). This report does not provide unequivocal conclusions about association of the variant with Usher Syndrome. To our knowledge, no experimental evidence demonstrating an impact on protein function has been reported. The following publication have been ascertained in the context of this evaluation (PMID: 31456290). Two submitters have cited clinical-significance assessments for this variant to ClinVar after 2014. One submitter classified the variant as likely pathogenic, and one submitter classified the variant as uncertain significance. Based on the evidence outlined above, the variant was classified as uncertain significance.

Sharon lab, Hadassah-Hebrew University Medical Center
Classification: Likely pathogenic for Retinitis pigmentosa. Last evaluated: 2019-06-23. Review status: no assertion criteria provided. Collection method: research. Allele origin: inherited. Affected: yes. Not counted in ClinVar's aggregate classification.

Literature cited by the submitters: PubMed 31456290 (cited by Labcorp Genetics (formerly Invitae), Labcorp and Women's Health and Genetics/Laboratory Corporation of America, LabCorp).